The following is an entry in ClinVar:

NM_001267550.2(TTN):c.54812-2A>T

Genes: TTN (titin; minus strand), TTN-AS1 (TTN antisense RNA 1; plus strand). Cytogenetic location: 2q31.2.
Variant type: single nucleotide variant.
Coding change: c.54812-2A>T on transcript NM_001267550.2 (MANE Select); the canonical splice acceptor site of the intron before coding-DNA position 54812, A replaced by T.
Molecular consequence: splice acceptor variant.
Genome position (GRCh38, 1-based): chr2:178,602,592, T>A on the plus strand (A>T on the coding strand, the complement: TTN is on the minus strand). VCF-style: chr2-178602592-T-A. GRCh37 (hg19) VCF-style: chr2-179467319-T-A.
Other names: c.27617-2A>T (NM_003319.4); c.28193-2A>T (NM_133437.4); c.27992-2A>T (NM_133432.3); c.47108-2A>T (NM_133378.4); c.49889-2A>T (NM_001256850.1).
Identifiers: ClinVar variation 1795690 (VCV001795690.2), dbSNP rs2470055476, ClinGen allele CA349547326.
Genomic context (GRCh38, chr2:178,602,592, plus strand): 5'-TGAGATGCTTGACTTCGTTTTATCTTTAACTTCTGGGCAAGAAGGTGGCCCCGGTGGAAC[T>A]AATAACAAAAGAAAAAAAAAAGCTTCATCAGATTTTGAAGCTGATGAAGTGCTGGAGTCT-3'

ClinVar aggregate classification (germline): Likely pathogenic (1 of 4 stars; one submission).

Conditions:
Cardiovascular phenotype. Identifiers: MedGen CN230736.

Allele frequency attached by ClinVar (database versions not stated): gnomAD exomes below 0.00001.
gnomAD v4.1: 1 of 1,479,326 alleles (0.000068%); highest among the groups gnomAD compares: Non-Finnish European, 0.00009%; no homozygotes.

Submission:

Ambry Genetics
Classification: Likely pathogenic for Cardiovascular phenotype. Last evaluated: 2021-04-08. Review status: criteria provided, single submitter. Criteria: Ambry Variant Classification Scheme 2023. Collection method: clinical testing. Allele origin: germline.
Comment: The c.27617-2A>T intronic variant results from an A to T substitution two nucleotides before coding exon 110 in the TTN gene. Exon 110 is located in the A-band region of the N2-B isoform of the titin protein and is constitutively expressed in TTN transcripts (percent spliced in or PSI 100%). This nucleotide position is highly conserved in available vertebrate species. In silico splice site analysis predicts that this alteration will weaken the native splice acceptor site and will result in the creation or strengthening of a novel splice acceptor site. This alteration disrupts the canonical splice site and is expected to cause aberrant splicing, resulting in an abnormal protein or a transcript that is subject to nonsense-mediated mRNA decay. While loss of function variants in TTN are present in 1-3% of the general population, truncating variants (a category that includes canonical splice site variants) in the A-band are the most common cause of dilated cardiomyopathy (DCM) (Herman DS et al. N. Engl. J. Med., 2012 Feb;366:619-28; Roberts AM et al. Sci Transl Med, 2015 Jan;7:270ra6). TTN truncating variants encoded in constitutive exons (PSI >90%) have been found to be significantly associated with DCM regardless of their position in titin (Schafer S et al. Nat. Genet., 2017 01;49:46-53). As such, this alteration is classified as likely pathogenic.